The following is an entry in ClinVar:

NM_001999.4(FBN2):c.5224C>T (p.Arg1742Ter)

Gene: FBN2 (fibrillin 2; minus strand). Cytogenetic location: 5q23.3.
Variant type: single nucleotide variant.
Coding change: c.5224C>T on transcript NM_001999.4 (MANE Select); coding-DNA position 5224, C replaced by T.
Protein change: p.Arg1742Ter; replaces arginine 1742 with a stop codon.
Molecular consequence: nonsense.
Genome position (GRCh38, 1-based): chr5:128,309,376, G>A on the plus strand (C>T on the coding strand, the complement: FBN2 is on the minus strand). VCF-style: chr5-128309376-G-A. GRCh37 (hg19) VCF-style: chr5-127645068-G-A.
Other names: short protein forms R1742*.
Identifiers: ClinVar variation 651264 (VCV000651264.11), dbSNP rs1178371653, ClinGen allele CA360744249.

ClinVar aggregate classification (germline): Uncertain significance. Review status: criteria provided, multiple submitters, no conflicts (2 of 4 stars). 2 submissions from 2 submitters: Uncertain significance (2). Last evaluated 2025-01-08.

Conditions:
Congenital contractural arachnodactyly (CCA). Also called: Arthrogryposis, distal, type 9; BEALS SYNDROME; Beals-Hecht syndrome. Identifiers: Orphanet 115, MedGen C0220668, MONDO:0007363, OMIM 121050.

Allele frequency attached by ClinVar (database versions not stated): gnomAD 0.00001; TOPMed 0.00001.
gnomAD v4.1: 3 of 1,613,658 alleles (0.00019%); highest among the groups gnomAD compares: Non-Finnish European, 0.00025%; no homozygotes.

Submissions (2):

Women's Health and Genetics/Laboratory Corporation of America, LabCorp
Classification: Uncertain significance. Last evaluated: 2025-01-08. Review status: criteria provided, single submitter. Criteria: LabCorp Variant Classification Summary - May 2015. Collection method: clinical testing. Allele origin: germline.
Comment: Variant summary: FBN2 c.5224C>T (p.Arg1742X) results in a premature termination codon, predicted to cause absence of the protein due to nonsense mediated decay, however current evidence is not sufficient to establish loss of function as a mechanism for disease. The variant was absent in 250986 control chromosomes. The available data on variant occurrences in the general population are insufficient to allow any conclusion about variant significance. To our knowledge, no occurrence of c.5224C>T in individuals affected with Congenital Contractural Arachnodactyly and no experimental evidence demonstrating its impact on protein function have been reported. ClinVar contains an entry for this variant (Variation ID: 651264). Based on the evidence outlined above, the variant was classified as uncertain significance.

Labcorp Genetics (formerly Invitae), Labcorp
Classification: Uncertain significance for Congenital contractural arachnodactyly. Last evaluated: 2019-01-30. Review status: criteria provided, single submitter. Criteria: Invitae Variant Classification Sherloc (09022015). Collection method: clinical testing. Allele origin: germline.
Comment: This variant is not present in population databases (ExAC no frequency). In summary, the available evidence is currently insufficient to determine the role of this variant in disease. Therefore, it has been classified as a Variant of Uncertain Significance. The current clinical and genetic evidence is not sufficient to establish whether loss-of-function variants in FBN2 cause disease. This variant has not been reported in the literature in individuals with FBN2-related disease. This sequence change creates a premature translational stop signal (p.Arg1742*) in the FBN2 gene. It is expected to result in an absent or disrupted protein product.